The following is an entry in ClinVar:

ClinVar aggregate classification (germline): Conflicting classifications of pathogenicity. Review status: criteria provided, conflicting classifications (1 of 4 stars). 8 submissions from 8 submitters: Uncertain significance (2); Likely benign (4). 2 of the submissions do not count toward it. Last evaluated 2025-12-20.

Conditions:
CFTR-related disorder (CFTR-RD). Also called: CFTR-related disorders; CFTR-related condition. Identifiers: MedGen C5924204, MONDO:7770004.
Cystic fibrosis (CF). Also called: MUCOVISCIDOSIS. Identifiers: Orphanet 586, MedGen C0010674, MONDO:0009061, OMIM 219700. Disease mechanism: loss of function.

Allele frequency attached by ClinVar (database versions not stated): gnomAD exomes 0.00004 and 0.00001; gnomAD 0.00002; TOPMed 0.00003; ExAC 0.00004.
gnomAD v4.1: 30 of 1,613,150 alleles (0.0019%); highest among the groups gnomAD compares: Admixed American, 0.012%; 1 homozygote.

Submissions (8):

Labcorp Genetics (formerly Invitae), Labcorp
Classification: Likely benign for Cystic fibrosis. Last evaluated: 2025-12-20. Review status: criteria provided, single submitter. Criteria: Invitae Variant Classification Sherloc (09022015). Collection method: clinical testing. Allele origin: germline.

Women's Health and Genetics/Laboratory Corporation of America, LabCorp
Classification: Likely benign. Last evaluated: 2025-07-09. Review status: criteria provided, single submitter. Criteria: LabCorp Variant Classification Summary - May 2015. Collection method: clinical testing. Allele origin: germline.

Mayo Clinic Laboratories, Mayo Clinic
Classification: Likely benign. Last evaluated: 2025-01-20. Review status: criteria provided, single submitter. Criteria: ACMG Guidelines, 2015. Collection method: clinical testing. Allele origin: germline. Observed: 1 variant allele.
Comment: BP4, BP7

Ambry Genetics
Classification: Likely benign for Cystic fibrosis. Last evaluated: 2019-11-07. Review status: criteria provided, single submitter. Criteria: Ambry Variant Classification Scheme 2023. Collection method: clinical testing. Allele origin: germline.

Illumina Laboratory Services, Illumina
Classification: Uncertain significance for CFTR-Related Disorders. Last evaluated: 2017-04-27. Review status: criteria provided, single submitter. Criteria: ICSL Variant Classification Criteria 13 December 2019. Collection method: clinical testing. Allele origin: germline.

Eurofins Ntd Llc (ga)
Classification: Uncertain significance. Last evaluated: 2015-02-12. Review status: criteria provided, single submitter. Criteria: EGL Classification Definitions 2015. Collection method: clinical testing. Allele origin: germline. Observed: 1 variant allele, 1 heterozygote.

PreventionGenetics, part of Exact Sciences
Classification: Likely benign for CFTR-related condition. Last evaluated: 2022-03-18. Review status: no assertion criteria provided. Collection method: clinical testing. Allele origin: germline. Not counted in ClinVar's aggregate classification.
Comment: This variant is classified as likely benign based on ACMG/AMP sequence variant interpretation guidelines (Richards et al. 2015 PMID: 25741868, with internal and published modifications).

Natera, Inc.
Classification: Likely benign for CFTR-related disorders. Last evaluated: 2020-11-23. Review status: no assertion criteria provided. Collection method: clinical testing. Allele origin: germline. Not counted in ClinVar's aggregate classification.

NM_000492.4(CFTR):c.3024C>T (p.Val1008=)

Genes: CFTR-AS2 (CFTR antisense RNA 2; minus strand), CFTR (CF transmembrane conductance regulator; plus strand), LOC111674472 (DNase I hypersensitive sites in introns 16 and 17a of CFTR; plus strand). Cytogenetic location: 7q31.2.
Variant type: single nucleotide variant.
Coding change: c.3024C>T on transcript NM_000492.4 (MANE Select); coding-DNA position 3024, C replaced by T.
Protein change: p.Val1008=; no amino-acid change (valine 1008 retained).
Molecular consequence: synonymous variant.
Genome position (GRCh38, 1-based): chr7:117,610,554, C>T. VCF-style: chr7-117610554-C-T. GRCh37 (hg19) VCF-style: chr7-117250608-C-T.
Other names: p.Val1008=.
Identifiers: ClinVar variation 194922 (VCV000194922.30), dbSNP rs774643457, ClinGen allele CA241137.